The following is an entry in ClinVar:

NM_000092.5(COL4A4):c.2429G>A (p.Gly810Asp)

Gene: COL4A4 (collagen type IV alpha 4 chain; minus strand). Cytogenetic location: 2q36.3.
Variant type: single nucleotide variant.
Coding change: c.2429G>A on transcript NM_000092.5 (MANE Select); coding-DNA position 2429, G replaced by A.
Protein change: p.Gly810Asp; replaces glycine 810 with aspartic acid.
Molecular consequence: missense variant.
Genome position (GRCh38, 1-based): chr2:227,057,555, C>T on the plus strand (G>A on the coding strand, the complement: COL4A4 is on the minus strand). VCF-style: chr2-227057555-C-T. GRCh37 (hg19) VCF-style: chr2-227922271-C-T.
Other names: p.Gly810Asp; short protein forms G810D.
Identifiers: ClinVar variation 4528282 (VCV004528282.4).
Genomic context (GRCh38, chr2:227,057,555, plus strand): 5'-CTTTCACAGGAATGGCCAGGTGGACCTGGGACACCTGGAAACCCAGCATGTCCCTCTCTG[C>T]CTTTGGGACCTTTGAGACCTAGGAATCCAGGAATGCCAGCTGGCCCTGAAATGATACAAT-3'
Protein context (NP_000083.3, residues 800-820): PGFLGLKGPK[Gly810Asp]REGHAGFPGV

ClinVar aggregate classification (germline): Conflicting classifications of pathogenicity. Review status: criteria provided, conflicting classifications (1 of 4 stars). 4 submissions from 4 submitters: Pathogenic (1); Likely pathogenic (2); Uncertain significance (1). Last evaluated 2025-09-18.

Conditions:
Alport syndrome. Also called: Hemorrhagic familial nephritis; Hemorrhagic hereditary nephritis; Congenital hereditary hematuria. Identifiers: Orphanet 63, MedGen C1567741, MONDO:0018965.

gnomAD v4.1: 1 of 1,614,104 alleles (0.000062%); no homozygotes.

Submissions (4):

Natera, Inc.
Classification: Likely pathogenic for Alport syndrome. Last evaluated: 2025-09-18. Review status: criteria provided, single submitter. Criteria: Natera Variant Classification Schema (03/2026). Collection method: clinical testing. Allele origin: germline.
Comment: The c.2429G>A variant in COL4A4 is a missense variant predicted to cause substitution of glycine to aspartic acid at amino acid 810. This variant is rare in the general population with a frequency below the threshold expected for the associated phenotype(s). This variant is located in a functionally critical region of the protein. Computational prediction algorithms indicate this variant is likely to affect gene or protein function. Given the available evidence, this variant is classified as Likely Pathogenic.

Labcorp Genetics (formerly Invitae), Labcorp
Classification: Uncertain significance. Last evaluated: 2025-05-13. Review status: criteria provided, single submitter. Criteria: Invitae Variant Classification Sherloc (09022015). Collection method: clinical testing. Allele origin: germline.
Comment: This sequence change replaces glycine, which is neutral and non-polar, with aspartic acid, which is acidic and polar, at codon 810 of the COL4A4 protein (p.Gly810Asp). This variant is present in population databases (rs774970509, gnomAD 0.003%). This missense change has been observed in individual(s) with clinical feature of Alport syndrome (PMID: 29801666). Invitae Evidence Modeling of protein sequence and biophysical properties (such as structural, functional, and spatial information, amino acid conservation, physicochemical variation, residue mobility, and thermodynamic stability) indicates that this missense variant is expected to disrupt COL4A4 protein function with a positive predictive value of 95%. In summary, the available evidence is currently insufficient to determine the role of this variant in disease. Therefore, it has been classified as a Variant of Uncertain Significance.

GeneDx
Classification: Likely pathogenic. Last evaluated: 2025-04-22. Review status: criteria provided, single submitter. Criteria: GeneDx Variant Classification Process June 2021. Collection method: clinical testing. Allele origin: germline. Affected: yes.
Comment: Observed in a patient with inherited kidney disease in published literature (PMID: 29801666); clinical information limited; Affects a glycine residue in a Gly-X-Y motif in the triple helical region of the COL4A4 gene, where the majority of pathogenic missense variants occur, and is predicted to disrupt normal protein folding and function (PMID: 10752524); Not observed at significant frequency in large population cohorts (gnomAD); In silico analysis supports that this missense variant has a deleterious effect on protein structure/function; This variant is associated with the following publications: (PMID: 10752524, 33838161, 29801666)

Mayo Clinic Laboratories, Mayo Clinic
Classification: Pathogenic. Last evaluated: 2025-02-07. Review status: criteria provided, single submitter. Criteria: ACMG Guidelines, 2015. Collection method: clinical testing. Allele origin: germline. Observed: 1 variant allele.
Comment: PP3_strong, PM1_strong, PM2_supporting, PS4_supporting

Literature cited by the submitters: PubMed 29801666 (cited by Labcorp Genetics (formerly Invitae), Labcorp and Mayo Clinic Laboratories, Mayo Clinic); PubMed 33838161 (cited by Mayo Clinic Laboratories, Mayo Clinic).